The following is an entry in ClinVar:

NM_002755.4(MAP2K1):c.492A>T (p.Gln164His)

Gene: MAP2K1 (mitogen-activated protein kinase kinase 1; plus strand). Cytogenetic location: 15q22.31.
Variant type: single nucleotide variant.
Coding change: c.492A>T on transcript NM_002755.4 (MANE Select); coding-DNA position 492, A replaced by T.
Protein change: p.Gln164His; replaces glutamine 164 with histidine.
Molecular consequence: missense variant. On other transcripts: intron variant (1).
Genome position (GRCh38, 1-based): chr15:66,443,333, A>T. VCF-style: chr15-66443333-A-T. GRCh37 (hg19) VCF-style: chr15-66735671-A-T.
Other names: c.373-1323A>T (NM_001411065.1); short protein forms Q164H.
Identifiers: ClinVar variation 3870090 (VCV003870090.1).

ClinVar aggregate classification (germline): Uncertain significance (1 of 4 stars; one submission).

Conditions:
Cardiovascular phenotype. Identifiers: MedGen CN230736.

Submission:

Ambry Genetics
Classification: Uncertain significance for Cardiovascular phenotype. Last evaluated: 2025-01-04. Review status: criteria provided, single submitter. Criteria: Ambry Variant Classification Scheme 2023. Collection method: clinical testing. Allele origin: germline.
Comment: The p.Q164H variant (also known as c.492A>T), located in coding exon 4 of the MAP2K1 gene, results from an A to T substitution at nucleotide position 492. The glutamine at codon 164 is replaced by histidine, an amino acid with highly similar properties. This amino acid position is conserved. In addition, this alteration is predicted to be tolerated by in silico analysis. Based on the available evidence, the clinical significance of this variant remains unclear.